The following is an entry in ClinVar:

ClinVar aggregate classification (germline): Likely benign. Review status: criteria provided, single submitter (1 of 4 stars). 2 submissions from 2 submitters: Likely benign (1). 1 of the submissions does not count toward it. Last evaluated 2026-03-01.

Conditions:
SLF2-related disorder. Also called: SLF2-related condition.

Allele frequency attached by ClinVar (database versions not stated): 1000 Genomes Project 0.00040; 1000 Genomes Project 30x 0.00047; TOPMed 0.00100; ESP Exome Variant Server 0.00115; gnomAD 0.00115; ExAC 0.00131.
gnomAD v4.1: 1,971 of 1,613,894 alleles (0.12%); highest among the groups gnomAD compares: Non-Finnish European, 0.13%; 10 homozygotes.

Submissions (2):

CeGaT Center for Human Genetics Tuebingen
Classification: Likely benign. Last evaluated: 2026-03-01. Review status: criteria provided, single submitter. Criteria: CeGaT Center For Human Genetics Tuebingen Variant Classification Criteria Version 2. Collection method: clinical testing. Allele origin: germline. Affected: yes. Observed: 1 variant allele.
Comment: SLF2: BP4

PreventionGenetics, part of Exact Sciences
Classification: Likely benign for SLF2-related condition. Last evaluated: 2022-06-08. Review status: no assertion criteria provided. Collection method: clinical testing. Allele origin: germline. Not counted in ClinVar's aggregate classification.
Comment: This variant is classified as likely benign based on ACMG/AMP sequence variant interpretation guidelines (Richards et al. 2015 PMID: 25741868, with internal and published modifications).

NM_018121.4(SLF2):c.1162C>T (p.Arg388Cys)

Gene: SLF2 (SMC5/6 complex localization factor 2; plus strand). Cytogenetic location: 10q24.31.
Variant type: single nucleotide variant.
Coding change: c.1162C>T on transcript NM_018121.4 (MANE Select); coding-DNA position 1162, C replaced by T.
Protein change: p.Arg388Cys; replaces arginine 388 with cysteine.
Molecular consequence: missense variant.
Genome position (GRCh38, 1-based): chr10:100,924,163, C>T. VCF-style: chr10-100924163-C-T. GRCh37 (hg19) VCF-style: chr10-102683920-C-T.
Other names: c.1162C>T, p.Arg388Cys (NM_001136123.2); short protein forms R388C.
Identifiers: ClinVar variation 3056893 (VCV003056893.6), dbSNP rs150772167, ClinGen allele CA5651324.